The following is an entry in ClinVar:

NM_006258.4(PRKG1):c.46G>C (p.Glu16Gln)

Gene: PRKG1 (protein kinase cGMP-dependent 1; plus strand). Cytogenetic location: 10q11.23.
Variant type: single nucleotide variant.
Coding change: c.46G>C on transcript NM_006258.4 (MANE Select); coding-DNA position 46, G replaced by C.
Protein change: p.Glu16Gln; replaces glutamic acid 16 with glutamine.
Molecular consequence: missense variant. On other transcripts: intron variant (1).
Genome position (GRCh38, 1-based): chr10:51,074,636, G>C. VCF-style: chr10-51074636-G-C. GRCh37 (hg19) VCF-style: chr10-52834396-G-C.
Other names: c.46G>C, p.Glu16Gln (NM_001374782.1); c.267-78528G>C (NM_001098512.3); short protein forms E16Q.
Identifiers: ClinVar variation 3719477 (VCV003719477.2).

ClinVar aggregate classification (germline): Uncertain significance (1 of 4 stars; one submission).

Conditions:
Aortic aneurysm, familial thoracic 8 (AAT8). Identifiers: MedGen C3809513, MONDO:0014187, OMIM 615436.

gnomAD v4.1: 9 of 1,614,060 alleles (0.00056%); highest among the groups gnomAD compares: East Asian, 0.0067%; no homozygotes.

Submission:

Labcorp Genetics (formerly Invitae), Labcorp
Classification: Uncertain significance for Aortic aneurysm, familial thoracic 8. Last evaluated: 2025-09-01. Review status: criteria provided, single submitter. Criteria: Invitae Variant Classification Sherloc (09022015). Collection method: clinical testing. Allele origin: germline.
Comment: This sequence change replaces glutamic acid, which is acidic and polar, with glutamine, which is neutral and polar, at codon 16 of the PRKG1 protein (p.Glu16Gln). This variant is present in population databases (rs757672025, gnomAD 0.01%). This variant has not been reported in the literature in individuals affected with PRKG1-related conditions. ClinVar contains an entry for this variant (Variation ID: 3719477). An algorithm developed to predict the effect of missense changes on protein structure and function (PolyPhen-2) suggests that this variant is likely to be tolerated. In summary, the available evidence is currently insufficient to determine the role of this variant in disease. Therefore, it has been classified as a Variant of Uncertain Significance.